The following is an entry in ClinVar:

NM_005902.4(SMAD3):c.801G>A (p.Glu267=)

Gene: SMAD3 (SMAD family member 3; plus strand). Cytogenetic location: 15q22.33.
Variant type: single nucleotide variant.
Coding change: c.801G>A on transcript NM_005902.4 (MANE Select); coding-DNA position 801, G replaced by A.
Protein change: p.Glu267=; no amino-acid change (glutamic acid 267 retained).
Molecular consequence: synonymous variant.
Genome position (GRCh38, 1-based): chr15:67,181,383, G>A. VCF-style: chr15-67181383-G-A. GRCh37 (hg19) VCF-style: chr15-67473721-G-A.
Other names: c.486G>A, p.Glu162= (NM_001145102.2); c.669G>A, p.Glu223= (NM_001145103.2); c.216G>A, p.Glu72= (NM_001145104.2).
Identifiers: ClinVar variation 925002 (VCV000925002.4), dbSNP rs764958567, ClinGen allele CA062689.

ClinVar aggregate classification (germline): Likely benign. Review status: criteria provided, multiple submitters, no conflicts (2 of 4 stars). 3 submissions from 3 submitters: Likely benign (3). Last evaluated 2024-01-11.

Conditions:
Familial thoracic aortic aneurysm and aortic dissection (TAAD). Also called: Thoracic aortic aneurysms and dissections. Identifiers: Orphanet 91387, MedGen C4707243, MONDO:0019625.
Aneurysm-osteoarthritis syndrome. Also called: LOEYS-DIETZ SYNDROME WITH OSTEOARTHRITIS; SMAD3-Related Loeys-Dietz Syndrome; Loeys-Dietz syndrome, type 1C; ANEURYSMS-OSTEOARTHRITIS SYNDROME. Identifiers: Orphanet 284984, MedGen C3151087, MONDO:0013426, OMIM 613795.

Allele frequency attached by ClinVar (database versions not stated): gnomAD exomes below 0.00001 and 0.00001; ExAC 0.00002.
gnomAD v4.1: 4 of 1,614,160 alleles (0.00025%); highest among the groups gnomAD compares: East Asian, 0.0089%; no homozygotes.

Submissions (3):

Ambry Genetics
Classification: Likely benign for Familial thoracic aortic aneurysm and aortic dissection. Last evaluated: 2024-01-11. Review status: criteria provided, single submitter. Criteria: Ambry Variant Classification Scheme 2023. Collection method: clinical testing. Allele origin: germline.

All of Us Research Program, National Institutes of Health
Classification: Likely benign for Aneurysm-osteoarthritis syndrome. Last evaluated: 2023-12-13. Review status: criteria provided, single submitter. Criteria: ACMG Guidelines, 2015. Collection method: clinical testing. Allele origin: germline. Inheritance: Autosomal dominant inheritance. Observed: 1 variant allele, 1 heterozygote.
Comment: This study involves interpretation of variants in research participants for the purpose of population health screening. Participant phenotype was not available at the time of variant classification. Additional details can be found in publication PMID: 35346344, PMCID: PMC8962531

Color Diagnostics, LLC DBA Color Health
Classification: Likely benign for Familial thoracic aortic aneurysm and aortic dissection. Last evaluated: 2019-07-15. Review status: criteria provided, single submitter. Criteria: ACMG Guidelines, 2015. Collection method: clinical testing. Allele origin: germline.